The following is an entry in ClinVar:

NM_002769.5(PRSS1):c.608C>T (p.Pro203Leu)

Genes: TRB (T cell receptor beta locus; plus strand), PRSS1 (serine protease 1; plus strand). Cytogenetic location: 7q34.
Variant type: single nucleotide variant.
Coding change: c.608C>T on transcript NM_002769.5 (MANE Select); coding-DNA position 608, C replaced by T.
Protein change: p.Pro203Leu; replaces proline 203 with leucine.
Molecular consequence: missense variant. On other transcripts: non-coding transcript variant (5).
Genome position (GRCh38, 1-based): chr7:142,752,884, C>T. VCF-style: chr7-142752884-C-T. GRCh37 (hg19) VCF-style: chr7-142460735-C-T.
Other names: short protein forms P203L.
Identifiers: ClinVar variation 1751495 (VCV001751495.2), dbSNP rs1289842951, ClinGen allele CA369610600.

ClinVar aggregate classification (germline): Uncertain significance (1 of 4 stars; one submission).

Conditions:
Hereditary pancreatitis (PCTT). Also called: Hereditary chronic pancreatitis; PRSS1-Related Hereditary Pancreatitis. Identifiers: Orphanet 676, MedGen C0238339, MONDO:0008185, OMIM 167800.

Submission:

Ambry Genetics
Classification: Uncertain significance for Hereditary pancreatitis. Last evaluated: 2022-04-26. Review status: criteria provided, single submitter. Criteria: Ambry Variant Classification Scheme 2023. Collection method: clinical testing. Allele origin: germline.
Comment: The p.P203L variant (also known as c.608C>T), located in coding exon 5 of the PRSS1 gene, results from a C to T substitution at nucleotide position 608. The proline at codon 203 is replaced by leucine, an amino acid with similar properties. This amino acid position is conserved. In addition, this alteration is predicted to be deleterious by in silico analysis. Since supporting evidence is limited at this time, the clinical significance of this alteration remains unclear.